The following is an entry in ClinVar:

NM_001267550.2(TTN):c.98750C>T (p.Ser32917Phe)

Genes: TTN-AS1 (TTN antisense RNA 1; plus strand), TTN (titin; minus strand). Cytogenetic location: 2q31.2.
Variant type: single nucleotide variant.
Coding change: c.98750C>T on transcript NM_001267550.2 (MANE Select); coding-DNA position 98750, C replaced by T.
Protein change: p.Ser32917Phe; replaces serine 32917 with phenylalanine.
Molecular consequence: missense variant. On other transcripts: non-coding transcript variant (1).
Genome position (GRCh38, 1-based): chr2:178,539,185, G>A on the plus strand (C>T on the coding strand, the complement: TTN is on the minus strand). VCF-style: chr2-178539185-G-A. GRCh37 (hg19) VCF-style: chr2-179403912-G-A.
Other names: p.Ser30349Phe; c.93827C>T, p.Ser31276Phe (NM_001256850.1); c.71555C>T, p.Ser23852Phe (NM_003319.4); c.91046C>T, p.Ser30349Phe (NM_133378.4); c.71930C>T, p.Ser23977Phe (NM_133432.3); c.72131C>T, p.Ser24044Phe (NM_133437.4); short protein forms S23852F, S30349F, S31276F, S32917F, S24044F, S23977F.
Identifiers: ClinVar variation 669082 (VCV000669082.8), dbSNP rs561932256, ClinGen allele CA1986313.
Genomic context (GRCh38, chr2:178,539,185, plus strand): 5'-TTGCGTTCGATGTAGTAGCCTGTGACTCTAGAACCACCATCATCTTTGGGCCGGGACCAG[G>A]ACAAGCTAACAGAACTCTTGGTTACATCGAGTACTTCTGGAGGATTGCTTGGAGGTTCTG-3'
Protein context (NP_001254479.2, residues 32907-32927): LDVTKSSVSL[Ser32917Phe]WSRPKDDGGS

ClinVar aggregate classification (germline): Conflicting classifications of pathogenicity. Review status: criteria provided, conflicting classifications (1 of 4 stars). 5 submissions from 5 submitters: Uncertain significance (4); Likely benign (1). Last evaluated 2026-09-23.

Conditions:
Cardiovascular phenotype. Identifiers: MedGen CN230736.
TTN-related disorder. Also called: TTN-related disorders; TTN-related condition; TTN-related disease.

Allele frequency attached by ClinVar (database versions not stated): gnomAD exomes 0.00001 and 0.00003; ExAC 0.00002; gnomAD 0.00004; TOPMed 0.00007; 1000 Genomes Project 30x 0.00016; 1000 Genomes Project 0.00020.
gnomAD v4.1: 28 of 1,613,782 alleles (0.0017%); highest among the groups gnomAD compares: African/African-American, 0.019%; no homozygotes.

Submissions (5):

PreventionGenetics, part of Exact Sciences
Classification: Uncertain significance for TTN-related condition. Last evaluated: 2026-09-23. Review status: criteria provided, single submitter. Criteria: ACMG Guidelines, 2015. Collection method: clinical testing. Allele origin: germline.
Comment: The TTN c.98750C>T variant is predicted to result in the amino acid substitution p.Ser32917Phe. To our knowledge, this variant has not been reported in the literature. This variant is reported in 0.019% of alleles in individuals of African descent in gnomAD. At this time, the clinical significance of this variant is uncertain due to the absence of conclusive functional and genetic evidence.

Mayo Clinic Laboratories, Mayo Clinic
Classification: Uncertain significance. Last evaluated: 2022-10-20. Review status: criteria provided, single submitter. Criteria: ACMG Guidelines, 2015. Collection method: clinical testing. Allele origin: germline. Observed: 1 variant allele.

Revvity Omics, Revvity
Classification: Uncertain significance. Last evaluated: 2021-06-01. Review status: criteria provided, single submitter. Criteria: ACMG Guidelines, 2015. Collection method: clinical testing. Allele origin: germline.

Ambry Genetics
Classification: Uncertain significance for Cardiovascular phenotype. Last evaluated: 2019-09-12. Review status: criteria provided, single submitter. Criteria: Ambry Variant Classification Scheme 2023. Collection method: clinical testing. Allele origin: germline.
Comment: The p.S23852F variant (also known as c.71555C>T), located in coding exon 180 of the TTN gene, results from a C to T substitution at nucleotide position 71555. The serine at codon 23852 is replaced by phenylalanine, an amino acid with highly dissimilar properties. This amino acid position is well conserved in available vertebrate species. In addition, the in silico prediction for this alteration is inconclusive. Since supporting evidence is limited at this time, the clinical significance of this alteration remains unclear.

GeneDx
Classification: Likely benign. Last evaluated: 2018-06-05. Review status: criteria provided, single submitter. Criteria: GeneDx Variant Classification (06012015). Collection method: clinical testing. Allele origin: germline. Affected: yes.
Comment: This variant is considered likely benign or benign based on one or more of the following criteria: it is a conservative change, it occurs at a poorly conserved position in the protein, it is predicted to be benign by multiple in silico algorithms, and/or has population frequency not consistent with disease.